The following is an entry in ClinVar:

NM_181303.2(NLGN3):c.1429C>T (p.Leu477Phe)

Gene: NLGN3 (neuroligin 3; plus strand). Cytogenetic location: Xq13.1.
Variant type: single nucleotide variant.
Coding change: c.1429C>T on transcript NM_181303.2 (MANE Select); coding-DNA position 1429, C replaced by T.
Protein change: p.Leu477Phe; replaces leucine 477 with phenylalanine.
Molecular consequence: missense variant.
Genome position (GRCh38, 1-based): chrX:71,167,526, C>T. VCF-style: chrX-71167526-C-T. GRCh37 (hg19) VCF-style: chrX-70387376-C-T.
Other names: c.1018C>T, p.Leu340Phe (NM_001321276.2); c.1369C>T, p.Leu457Phe (NM_018977.4); c.1309C>T, p.Leu437Phe (NM_001166660.2); c.1369C>T (NM_018977.3); short protein forms L340F, L437F, L457F, L477F.
Identifiers: ClinVar variation 1307628 (VCV001307628.3), dbSNP rs2147908332, ClinGen allele CA413562779.

ClinVar aggregate classification (germline): Uncertain significance. Review status: criteria provided, multiple submitters, no conflicts (2 of 4 stars). 2 submissions from 2 submitters: Uncertain significance (2). Last evaluated 2025-12-11.

Conditions:
Inborn genetic diseases. Identifiers: MedGen C0950123, MeSH D030342.

Submissions (2):

Ambry Genetics
Classification: Uncertain significance for Inborn genetic diseases. Last evaluated: 2025-12-11. Review status: criteria provided, single submitter. Criteria: Ambry Variant Classification Scheme 2023. Collection method: clinical testing. Allele origin: germline.

GeneDx
Classification: Uncertain significance. Last evaluated: 2019-08-08. Review status: criteria provided, single submitter. Criteria: GeneDx Variant Classification Process June 2021. Collection method: clinical testing. Allele origin: germline. Affected: yes.
Comment: Not observed in large population cohorts (Lek et al., 2016); In silico analysis, which includes protein predictors and evolutionary conservation, supports a deleterious effect; Has not been previously published as pathogenic or benign to our knowledge